The following is an entry in ClinVar:

NM_001127208.3(TET2):c.978A>G (p.Lys326=)

Genes: TET2 (tet methylcytosine dioxygenase 2; plus strand), TET2-AS1 (TET2 antisense RNA 1; minus strand). Cytogenetic location: 4q24.
Variant type: single nucleotide variant.
Coding change: c.978A>G on transcript NM_001127208.3 (MANE Select); coding-DNA position 978, A replaced by G.
Protein change: p.Lys326=; no amino-acid change (lysine 326 retained).
Molecular consequence: synonymous variant.
Genome position (GRCh38, 1-based): chr4:105,234,920, A>G. VCF-style: chr4-105234920-A-G. GRCh37 (hg19) VCF-style: chr4-106156077-A-G.
Other names: c.978A>G, p.Lys326= (NM_017628.4).
Identifiers: ClinVar variation 2146953 (VCV002146953.8), dbSNP rs201837804, ClinGen allele CA3031602.

ClinVar aggregate classification (germline): Likely benign. Review status: criteria provided, multiple submitters, no conflicts (2 of 4 stars). 4 submissions from 4 submitters: Likely benign (4). Last evaluated 2026-05-31.

Conditions:
TET2-related disorder. Also called: TET2-related condition.

Allele frequency attached by ClinVar (database versions not stated): ExAC 0.00012; gnomAD 0.00012; ESP Exome Variant Server 0.00015; TOPMed 0.00017; gnomAD exomes 0.00041.
gnomAD v4.1: 618 of 1,613,964 alleles (0.038%); highest among the groups gnomAD compares: Non-Finnish European, 0.049%; no homozygotes.

Submissions (5):

PreventionGenetics, part of Exact Sciences
Classification: Likely benign for TET2-related condition. Last evaluated: 2026-05-31. Review status: criteria provided, single submitter. Criteria: ACMG Guidelines, 2015. Collection method: clinical testing. Allele origin: germline.
Comment: This variant is classified as likely benign based on ACMG/AMP sequence variant interpretation guidelines (Richards et al. 2015 PMID: 25741868, with internal and published modifications).

Labcorp Genetics (formerly Invitae), Labcorp
Classification: Likely benign. Last evaluated: 2026-01-06. Review status: criteria provided, single submitter. Criteria: Invitae Variant Classification Sherloc (09022015). Collection method: clinical testing. Allele origin: germline.

Blueprint Genetics
Classification: Likely benign. Last evaluated: 2024-10-14. Review status: criteria provided, single submitter. Criteria: ACMG Guidelines, 2015. Collection method: clinical testing. Allele origin: germline.

Ambry Genetics
Classification: Likely benign. Last evaluated: 2024-10-04. Review status: criteria provided, single submitter. Criteria: Ambry Variant Classification Scheme 2023. Collection method: clinical testing. Allele origin: germline.

Dr. Peter K. Rogan Lab, Western University
No classification provided (evidence only). Condition: Thyroid cancer, nonmedullary, 1. Review status: no classification provided. Collection method: in vitro. Allele origin: not applicable. Functional consequence: retained intron. Not counted in ClinVar's aggregate classification.